The following is an entry in ClinVar:

ClinVar aggregate classification (germline): Benign/Likely benign. Review status: criteria provided, multiple submitters, no conflicts (2 of 4 stars). 19 submissions from 15 submitters: Benign (11); Likely benign (3). 5 of the submissions do not count toward it. Last evaluated 2026-06-26.

Conditions:
Kidney disorder. Also called: renal disorder; Nephropathy; renal disease; Kidney disease; Kidney Diseases. Identifiers: MedGen C0022658, MONDO:0005240, HP:0000112.
Joubert syndrome. Also called: JOUBERT-BOLTSHAUSER SYNDROME; Familial aplasia of the vermis. Identifiers: Orphanet 475, MedGen C5979921, MONDO:0018772.
Nephronophthisis. Also called: Juvenile Nephronophthisis. Identifiers: Orphanet 655, MedGen C0687120, MONDO:0019005, HP:0000090.
Meckel-Gruber syndrome. Also called: Dysencephalia splachnocystica; DYSENCEPHALIA SPLANCHNOCYSTICA; GRUBER SYNDROME. Identifiers: Orphanet 564, MedGen C0265215, MONDO:0018921.
Leber congenital amaurosis (LCA). Also called: Leber's amaurosis. Identifiers: Orphanet 65, MedGen C0339527, MeSH D057130, MONDO:0018998.
Meckel syndrome, type 4 (MKS4). Also called: MECKEL-GRUBER SYNDROME, TYPE 4. Identifiers: Orphanet 564, MedGen C1970161, MONDO:0012626, OMIM 611134.
Bardet-Biedl syndrome 14 (BBS14). Identifiers: Orphanet 110, MedGen C2673874, MONDO:0014442, OMIM 615991.
Leber congenital amaurosis 10 (LCA10). Identifiers: Orphanet 65, MedGen C1857821, MONDO:0012723, OMIM 611755.
Senior-Loken syndrome 6 (SLSN6). Identifiers: Orphanet 3156, MedGen C1857779, MONDO:0012433, OMIM 610189.
Joubert syndrome 5 (JBTS5). Identifiers: Orphanet 2318, MedGen C1857780, MONDO:0012432, OMIM 610188.

Allele frequency attached by ClinVar (database versions not stated): ESP Exome Variant Server 0.01713; TOPMed 0.02061; 1000 Genomes Project 30x 0.02202; 1000 Genomes Project 0.02276; gnomAD 0.02377 and 0.02390; gnomAD exomes 0.03136 and 0.03640; ExAC 0.03960.
gnomAD v4.1: 38,469 of 1,268,110 alleles (3%); highest among the groups gnomAD compares: South Asian, 4.4%; 693 homozygotes.

Submissions (31):

Women's Health and Genetics/Laboratory Corporation of America, LabCorp
Classification: Benign. Last evaluated: 2026-06-26. Review status: criteria provided, single submitter. Criteria: LabCorp Variant Classification Summary - May 2015. Collection method: clinical testing. Allele origin: germline.

Labcorp Genetics (formerly Invitae), Labcorp
Classification: Benign for Joubert syndrome; Meckel-Gruber syndrome; Nephronophthisis. Last evaluated: 2026-02-04. Review status: criteria provided, single submitter. Criteria: Invitae Variant Classification Sherloc (09022015). Collection method: clinical testing. Allele origin: germline.

Blueprint Genetics
Classification: Benign. Last evaluated: 2024-11-27. Review status: criteria provided, single submitter. Criteria: ACMG Guidelines, 2015. Collection method: clinical testing. Allele origin: germline.

ARUP Laboratories, Molecular Genetics and Genomics, ARUP Laboratories
Classification: Benign. Last evaluated: 2023-11-09. Review status: criteria provided, single submitter. Criteria: ARUP Molecular Germline Variant Investigation Process 2024. Collection method: clinical testing. Allele origin: germline.

Genome Diagnostics Laboratory, The Hospital for Sick Children
Classification: Benign for Kidney disorder. Last evaluated: 2022-09-07. Review status: criteria provided, single submitter. Criteria: ACMG Guidelines, 2015. Collection method: clinical testing. Allele origin: germline.

Mayo Clinic Laboratories, Mayo Clinic
Classification: Benign. Last evaluated: 2022-03-09. Review status: criteria provided, single submitter. Criteria: ACMG Guidelines, 2015. Collection method: clinical testing. Allele origin: germline. Observed: 11 variant alleles.

Illumina Laboratory Services, Illumina
Classification: Benign for Bardet-Biedl syndrome 14. Last evaluated: 2018-01-13. Review status: criteria provided, single submitter. Criteria: ICSL Variant Classification Criteria 13 December 2019. Collection method: clinical testing. Allele origin: germline.
Comment: This variant was observed in the ICSL laboratory as part of a predisposition screen in an ostensibly healthy population. It had not been previously curated by ICSL or reported in the Human Gene Mutation Database (HGMD: prior to June 1st, 2018), and was therefore a candidate for classification through an automated scoring system. Utilizing variant allele frequency, disease prevalence and penetrance estimates, and inheritance mode, an automated score was calculated to assess if this variant is too frequent to cause the disease. Based on the score and internal cut-off values, a variant classified as benign is not then subjected to further curation. The score for this variant resulted in a classification of benign for this disease.

Illumina Laboratory Services, Illumina
Classification: Likely benign for Meckel syndrome, type 4. Last evaluated: 2018-01-13. Review status: criteria provided, single submitter. Criteria: ICSL Variant Classification Criteria 13 December 2019. Collection method: clinical testing. Allele origin: germline.
Comment: This variant was observed in the ICSL laboratory as part of a predisposition screen in an ostensibly healthy population. It had not been previously curated by ICSL or reported in the Human Gene Mutation Database (HGMD: prior to June 1st, 2018), and was therefore a candidate for classification through an automated scoring system. Utilizing variant allele frequency, disease prevalence and penetrance estimates, and inheritance mode, an automated score was calculated to assess if this variant is too frequent to cause the disease. Based on the score and internal cut-off values, a variant classified as likely benign is not then subjected to further curation. The score for this variant resulted in a classification of likely benign for this disease.

Illumina Laboratory Services, Illumina
Classification: Benign for Joubert syndrome 5. Last evaluated: 2018-01-13. Review status: criteria provided, single submitter. Criteria: ICSL Variant Classification Criteria 13 December 2019. Collection method: clinical testing. Allele origin: germline.
Comment: the same text as in the submission from Illumina Laboratory Services, Illumina above.

Illumina Laboratory Services, Illumina
Classification: Likely benign for Leber congenital amaurosis 10. Last evaluated: 2018-01-13. Review status: criteria provided, single submitter. Criteria: ICSL Variant Classification Criteria 13 December 2019. Collection method: clinical testing. Allele origin: germline.
Comment: the same text as in the submission from Illumina Laboratory Services, Illumina above.

Illumina Laboratory Services, Illumina
Classification: Benign for Senior-Loken syndrome 6. Last evaluated: 2018-01-13. Review status: criteria provided, single submitter. Criteria: ICSL Variant Classification Criteria 13 December 2019. Collection method: clinical testing. Allele origin: germline.
Comment: the same text as in the submission from Illumina Laboratory Services, Illumina above.

GeneDx
Classification: Benign. Last evaluated: 2015-03-03. Review status: criteria provided, single submitter. Criteria: GeneDx Variant Classification Process June 2021. Collection method: clinical testing. Allele origin: germline. Affected: yes.

Breakthrough Genomics
Classification: Likely benign. Review status: criteria provided, single submitter. Criteria: ACMG Guidelines, 2015. Collection method: not provided. Allele origin: germline. Inheritance: Autosomal recessive inheritance. Affected: yes.

PreventionGenetics, part of Exact Sciences
Classification: Benign. Review status: criteria provided, single submitter. Criteria: ACMG Guidelines, 2015. Collection method: clinical testing. Allele origin: germline.

Natera, Inc.
Classification: Benign for Leber congenital amaurosis. Last evaluated: 2020-09-16. Review status: no assertion criteria provided. Collection method: clinical testing. Allele origin: germline. Not counted in ClinVar's aggregate classification.

Clinical Genetics DNA and cytogenetics Diagnostics Lab, Erasmus MC, Erasmus Medical Center
Classification: Likely benign. Review status: no assertion criteria provided. Collection method: clinical testing. Allele origin: germline. Affected: yes. Study: VKGL Data-share Consensus. Not counted in ClinVar's aggregate classification.

Dr. Peter K. Rogan Lab, Western University
No classification provided (evidence only). Condition: Uterine corpus endometrial carcinoma. Review status: no classification provided. Collection method: in vitro. Allele origin: not applicable. Functional consequence: retained intron. Not counted in ClinVar's aggregate classification.

Dr. Peter K. Rogan Lab, Western University
No classification provided (evidence only). Condition: Uterine corpus endometrial carcinoma. Review status: no classification provided. Collection method: in vitro. Allele origin: not applicable. Functional consequence: retained intron. Not counted in ClinVar's aggregate classification.

Dr. Peter K. Rogan Lab, Western University
No classification provided (evidence only). Condition: Cervical cancer. Review status: no classification provided. Collection method: in vitro. Allele origin: not applicable. Functional consequence: retained intron. Not counted in ClinVar's aggregate classification.

Dr. Peter K. Rogan Lab, Western University
No classification provided (evidence only). Condition: Cervical cancer. Review status: no classification provided. Collection method: in vitro. Allele origin: not applicable. Functional consequence: retained intron. Not counted in ClinVar's aggregate classification.

Dr. Peter K. Rogan Lab, Western University
No classification provided (evidence only). Condition: Sarcoma. Review status: no classification provided. Collection method: in vitro. Allele origin: not applicable. Functional consequence: retained intron. Not counted in ClinVar's aggregate classification.

Dr. Peter K. Rogan Lab, Western University
No classification provided (evidence only). Condition: Hepatocellular carcinoma. Review status: no classification provided. Collection method: in vitro. Allele origin: not applicable. Functional consequence: retained intron. Not counted in ClinVar's aggregate classification.

Dr. Peter K. Rogan Lab, Western University
No classification provided (evidence only). Condition: Hepatocellular carcinoma. Review status: no classification provided. Collection method: in vitro. Allele origin: not applicable. Functional consequence: skipped exon. Not counted in ClinVar's aggregate classification.

Dr. Peter K. Rogan Lab, Western University
No classification provided (evidence only). Condition: Thymoma. Review status: no classification provided. Collection method: in vitro. Allele origin: not applicable. Functional consequence: retained intron. Not counted in ClinVar's aggregate classification.

Dr. Peter K. Rogan Lab, Western University
No classification provided (evidence only). Condition: Ovarian serous cystadenocarcinoma. Review status: no classification provided. Collection method: in vitro. Allele origin: not applicable. Functional consequence: retained intron. Not counted in ClinVar's aggregate classification.

Dr. Peter K. Rogan Lab, Western University
No classification provided (evidence only). Condition: Ovarian serous cystadenocarcinoma. Review status: no classification provided. Collection method: in vitro. Allele origin: not applicable. Functional consequence: retained intron. Not counted in ClinVar's aggregate classification.

Dr. Peter K. Rogan Lab, Western University
No classification provided (evidence only). Condition: Ovarian serous cystadenocarcinoma. Review status: no classification provided. Collection method: in vitro. Allele origin: not applicable. Functional consequence: retained intron. Not counted in ClinVar's aggregate classification.

Dr. Peter K. Rogan Lab, Western University
No classification provided (evidence only). Condition: Malignant tumor of esophagus. Review status: no classification provided. Collection method: in vitro. Allele origin: not applicable. Functional consequence: skipped exon, retained intron. Not counted in ClinVar's aggregate classification.

Genetic Services Laboratory, University of Chicago
Classification: Likely benign for AllHighlyPenetrant. Review status: no assertion criteria provided. Collection method: clinical testing. Allele origin: germline. Inheritance: Autosomal recessive inheritance. Observed: 45 variant alleles. Not counted in ClinVar's aggregate classification.
Comment: Likely benign based on allele frequency in 1000 Genomes Project or ESP global frequency and its presence in a patient with a rare or unrelated disease phenotype. NOT Sanger confirmed.

Genome Diagnostics Laboratory, University Medical Center Utrecht
Classification: Benign. Review status: no assertion criteria provided. Collection method: clinical testing. Allele origin: germline. Affected: yes. Study: VKGL Data-share Consensus. Not counted in ClinVar's aggregate classification.

Joint Genome Diagnostic Labs from Nijmegen and Maastricht, Radboudumc and MUMC+
Classification: Benign. Review status: no assertion criteria provided. Collection method: clinical testing. Allele origin: germline. Affected: yes. Study: VKGL Data-share Consensus. Not counted in ClinVar's aggregate classification.

NM_025114.4(CEP290):c.4119A>G (p.Lys1373=)

Gene: CEP290 (centrosomal protein 290; minus strand). Cytogenetic location: 12q21.32.
Variant type: single nucleotide variant.
Coding change: c.4119A>G on transcript NM_025114.4 (MANE Select); coding-DNA position 4119, A replaced by G.
Protein change: p.Lys1373=; no amino-acid change (lysine 1373 retained).
Molecular consequence: synonymous variant.
Genome position (GRCh38, 1-based): chr12:88,087,855, T>C on the plus strand (A>G on the coding strand, the complement: CEP290 is on the minus strand). VCF-style: chr12-88087855-T-C. GRCh37 (hg19) VCF-style: chr12-88481632-T-C.
Other names: p.Lys1373=.
Identifiers: ClinVar variation 126258 (VCV000126258.45), dbSNP rs117122459, ClinGen allele CA150910.
Genomic context (GRCh38, chr12:88,087,855, plus strand): 5'-AATTTCTTCTTCAAGACTGCTGATTGTACGTTCATATTCAGAAATTATGTTATTCAAATA[T>C]TTTATTTCTTCTTTATCCTTGACTAATTCCCGATTTAGTTTAAGTTCTTGAAGACGAAGT-3'
Protein context (NP_079390.3, residues 1363-1383): RELVKDKEEI[Lys1373=]YLNNIISEYE